The following is an entry in ClinVar:

NM_025114.4(CEP290):c.5227-9A>G

Gene: CEP290 (centrosomal protein 290; minus strand). Cytogenetic location: 12q21.32.
Variant type: single nucleotide variant.
Coding change: c.5227-9A>G on transcript NM_025114.4 (MANE Select); 9 bases into the intron before coding-DNA position 5227, A replaced by G.
Molecular consequence: intron variant.
Genome position (GRCh38, 1-based): chr12:88,079,238, T>C on the plus strand (A>G on the coding strand, the complement: CEP290 is on the minus strand). VCF-style: chr12-88079238-T-C. GRCh37 (hg19) VCF-style: chr12-88473015-T-C.
Identifiers: ClinVar variation 700407 (VCV000700407.15), dbSNP rs571981633, ClinGen allele CA6711756.

ClinVar aggregate classification (germline): Benign/Likely benign. Review status: criteria provided, multiple submitters, no conflicts (2 of 4 stars). 4 submissions from 4 submitters: Benign (1); Likely benign (1). 2 of the submissions do not count toward it. Last evaluated 2026-01-20.

Conditions:
Nephronophthisis. Also called: Juvenile Nephronophthisis. Identifiers: Orphanet 655, MedGen C0687120, MONDO:0019005, HP:0000090.
Meckel-Gruber syndrome. Also called: DYSENCEPHALIA SPLANCHNOCYSTICA; GRUBER SYNDROME; Dysencephalia splachnocystica. Identifiers: Orphanet 564, MedGen C0265215, MONDO:0018921.
Joubert syndrome. Also called: JOUBERT-BOLTSHAUSER SYNDROME; Familial aplasia of the vermis. Identifiers: Orphanet 475, MedGen C5979921, MONDO:0018772.
CEP290-related disorder. Also called: CEP290-related condition; CEP290-related disorders. Identifiers: MedGen CN239314.
Leber congenital amaurosis (LCA). Also called: Leber's amaurosis. Identifiers: Orphanet 65, MedGen C0339527, MeSH D057130, MONDO:0018998.

Allele frequency attached by ClinVar (database versions not stated): gnomAD 0.00006 and 0.00007; 1000 Genomes Project 30x 0.00016; 1000 Genomes Project 0.00020; TOPMed 0.00028; ExAC 0.00046; gnomAD exomes 0.00048.
gnomAD v4.1: 127 of 1,570,032 alleles (0.0081%); highest among the groups gnomAD compares: Admixed American, 0.25%; no homozygotes.

Submissions (4):

Labcorp Genetics (formerly Invitae), Labcorp
Classification: Benign for Joubert syndrome; Meckel-Gruber syndrome; Nephronophthisis. Last evaluated: 2026-01-20. Review status: criteria provided, single submitter. Criteria: Invitae Variant Classification Sherloc (09022015). Collection method: clinical testing. Allele origin: germline.

Blueprint Genetics
Classification: Likely benign. Last evaluated: 2024-06-26. Review status: criteria provided, single submitter. Criteria: ACMG Guidelines, 2015. Collection method: clinical testing. Allele origin: germline.

Natera, Inc.
Classification: Uncertain significance for Leber congenital amaurosis. Last evaluated: 2020-04-17. Review status: no assertion criteria provided. Collection method: clinical testing. Allele origin: germline. Not counted in ClinVar's aggregate classification.

PreventionGenetics, part of Exact Sciences
Classification: Likely benign for CEP290-related condition. Last evaluated: 2019-09-19. Review status: no assertion criteria provided. Collection method: clinical testing. Allele origin: germline. Not counted in ClinVar's aggregate classification.
Comment: This variant is classified as likely benign based on ACMG/AMP sequence variant interpretation guidelines (Richards et al. 2015 PMID: 25741868, with internal and published modifications).